The following is an entry in ClinVar:

NM_005592.4(MUSK):c.1014C>A (p.Asn338Lys)

Gene: MUSK (muscle associated receptor tyrosine kinase; plus strand). Cytogenetic location: 9q31.3.
Variant type: single nucleotide variant.
Coding change: c.1014C>A on transcript NM_005592.4 (MANE Select); coding-DNA position 1014, C replaced by A.
Protein change: p.Asn338Lys; replaces asparagine 338 with lysine.
Molecular consequence: missense variant. On other transcripts: 5 prime UTR variant (1), intron variant (2).
Genome position (GRCh38, 1-based): chr9:110,767,913, C>A. VCF-style: chr9-110767913-C-A. GRCh37 (hg19) VCF-style: chr9-113530193-C-A.
Other names: c.-223C>A (NM_001369398.1); c.950+5705C>A (NM_001166280.2); c.920+5705C>A (NM_001166281.2); short protein forms N338K.
Identifiers: ClinVar variation 912982 (VCV000912982.10), dbSNP rs373175897, ClinGen allele CA5184260.
Genomic context (GRCh38, chr9:110,767,913, plus strand): 5'-CCAGTACAGAGGGGAGGTGTGTAATGCAGTCCTGGCAAAAGATGCTCTTGTTTTTCTCAA[C>A]ACCTCCTATGCGGACCCTGAGGAGGCCCAAGAGCTACTGGTCCACACGGCCTGGAATGAA-3'
Protein context (NP_005583.1, residues 328-348): VLAKDALVFL[Asn338Lys]TSYADPEEAQ

ClinVar aggregate classification (germline): Uncertain significance. Review status: criteria provided, multiple submitters, no conflicts (2 of 4 stars). 3 submissions from 3 submitters: Uncertain significance (3). Last evaluated 2025-06-07.

Conditions:
Congenital myasthenic syndrome 9. Also called: Myasthenic syndrome, congenital, 9, associated with acetylcholine receptor deficiency. Identifiers: Orphanet 590, MedGen C4225368, MONDO:0014587, OMIM 616325.
Fetal akinesia deformation sequence 1 (FADS1). Also called: Pena-Shokeir syndrome type I; Fetal akinesia sequence. Identifiers: Orphanet 994, MedGen C1276035, MONDO:0100101, OMIM 208150, HP:0001989.
Inborn genetic diseases. Identifiers: MedGen C0950123, MeSH D030342.

Allele frequency attached by ClinVar (database versions not stated): gnomAD exomes 0.00001 and 0.00002; ExAC 0.00002; gnomAD 0.00002; TOPMed 0.00003; ESP Exome Variant Server 0.00016.
gnomAD v4.1: 23 of 1,613,846 alleles (0.0014%); highest among the groups gnomAD compares: Middle Eastern, 0.016%; no homozygotes.

Submissions (3):

Ambry Genetics
Classification: Uncertain significance for Inborn genetic diseases. Last evaluated: 2025-06-07. Review status: criteria provided, single submitter. Criteria: Ambry Variant Classification Scheme 2023. Collection method: clinical testing. Allele origin: germline.

Labcorp Genetics (formerly Invitae), Labcorp
Classification: Uncertain significance for Congenital myasthenic syndrome 9; Fetal akinesia deformation sequence 1. Last evaluated: 2022-02-24. Review status: criteria provided, single submitter. Criteria: Invitae Variant Classification Sherloc (09022015). Collection method: clinical testing. Allele origin: germline.
Comment: This sequence change replaces asparagine, which is neutral and polar, with lysine, which is basic and polar, at codon 338 of the MUSK protein (p.Asn338Lys). This variant is present in population databases (rs373175897, gnomAD 0.004%). This variant has not been reported in the literature in individuals affected with MUSK-related conditions. ClinVar contains an entry for this variant (Variation ID: 912982). Algorithms developed to predict the effect of missense changes on protein structure and function (SIFT, PolyPhen-2, Align-GVGD) all suggest that this variant is likely to be disruptive. In summary, the available evidence is currently insufficient to determine the role of this variant in disease. Therefore, it has been classified as a Variant of Uncertain Significance.

Illumina Laboratory Services, Illumina
Classification: Uncertain significance for Congenital myasthenic syndrome 9. Last evaluated: 2017-04-27. Review status: criteria provided, single submitter. Criteria: ICSL Variant Classification Criteria 13 December 2019. Collection method: clinical testing. Allele origin: germline.